The following is an entry in ClinVar:

NM_001009944.3(PKD1):c.12912G>C (p.Ter4304Tyr)

Gene: PKD1 (polycystin 1, transient receptor potential channel interacting; minus strand). Cytogenetic location: 16p13.3.
Variant type: single nucleotide variant.
Coding change: c.12912G>C on transcript NM_001009944.3 (MANE Select); coding-DNA position 12912, G replaced by C.
Protein change: p.Ter4304Tyr.
Molecular consequence: stop lost.
Genome position (GRCh38, 1-based): chr16:2,089,727, C>G on the plus strand (G>C on the coding strand, the complement: PKD1 is on the minus strand). VCF-style: chr16-2089727-C-G. GRCh37 (hg19) VCF-style: chr16-2139728-C-G.
Other names: c.12909G>C, p.Ter4303Tyr (NM_000296.4).
Identifiers: ClinVar variation 3900723 (VCV003900723.2).

ClinVar aggregate classification (germline): Uncertain significance. Review status: criteria provided, multiple submitters, no conflicts (2 of 4 stars). 2 submissions from 2 submitters: Uncertain significance (2). Last evaluated 2025-04-24.

Conditions:
Polycystic kidney disease, adult type (PKD1). Also called: Polycystic Kidney Disease 1, Autosomal Dominant; Polycystic kidney disease 1; Polycystic kidney disease 1, severe; Polycystic Kidney, Autosomal Dominant; POLYCYSTIC KIDNEY DISEASE, ADULT, TYPE I; POLYCYSTIC KIDNEY DISEASE 1 WITH OR WITHOUT POLYCYSTIC LIVER DISEASE. Identifiers: MedGen C3149841, MONDO:0008263, OMIM 173900.

Submissions (2):

MVZ Medizinische Genetik Mainz
Classification: Uncertain significance for Polycystic kidney disease, adult type. Last evaluated: 2025-04-24. Review status: criteria provided, single submitter. Criteria: UK Practice Guidelines For Variant Classification V4 01 2020. Collection method: clinical testing. Allele origin: germline. Inheritance: Autosomal dominant inheritance. Affected: yes. Observed: 1 variant allele.
Comment: ACMG Criteria: PM4,PM2_SUP,PM5_SUP,PP4

Blueprint Genetics
Classification: Uncertain significance. Last evaluated: 2022-03-22. Review status: criteria provided, single submitter. Criteria: ACMG Guidelines, 2015. Collection method: clinical testing. Allele origin: germline.